The following is an entry in ClinVar:

NM_058179.4(PSAT1):c.328A>C (p.Lys110Gln)

Gene: PSAT1 (phosphoserine aminotransferase 1; plus strand). Cytogenetic location: 9q21.2.
Variant type: single nucleotide variant.
Coding change: c.328A>C on transcript NM_058179.4 (MANE Select); coding-DNA position 328, A replaced by C.
Protein change: p.Lys110Gln; replaces lysine 110 with glutamine.
Molecular consequence: missense variant.
Genome position (GRCh38, 1-based): chr9:78,304,871, A>C. VCF-style: chr9-78304871-A-C. GRCh37 (hg19) VCF-style: chr9-80919787-A-C.
Other names: c.328A>C, p.Lys110Gln (NM_021154.5); short protein forms K110Q.
Identifiers: ClinVar variation 623438 (VCV000623438.8), dbSNP rs753331548, ClinGen allele CA5095581.

ClinVar aggregate classification (germline): Uncertain significance. Review status: criteria provided, single submitter (1 of 4 stars). 3 submissions from 3 submitters: Uncertain significance (1). 2 of the submissions do not count toward it. Last evaluated 2022-07-19.

Conditions:
Neu-Laxova syndrome 2. Identifiers: Orphanet 2671, Orphanet 583602, MedGen C4015019, MONDO:0014466, OMIM 616038.
High myopia. Also called: Severe Myopia. Identifiers: MedGen C0271183, HP:0011003.

Allele frequency attached by ClinVar (database versions not stated): gnomAD 0.00001; TOPMed 0.00002; gnomAD exomes 0.00005 and 0.00008; ExAC 0.00011.
gnomAD v4.1: 74 of 1,613,940 alleles (0.0046%); highest among the groups gnomAD compares: Non-Finnish European, 0.0054%; no homozygotes.

Submissions (3):

Labcorp Genetics (formerly Invitae), Labcorp
Classification: Uncertain significance for Neu-Laxova syndrome 2. Last evaluated: 2022-07-19. Review status: criteria provided, single submitter. Criteria: Invitae Variant Classification Sherloc (09022015). Collection method: clinical testing. Allele origin: germline.
Comment: This sequence change replaces lysine, which is basic and polar, with glutamine, which is neutral and polar, at codon 110 of the PSAT1 protein (p.Lys110Gln). This variant is present in population databases (rs753331548, gnomAD 0.02%). This variant has not been reported in the literature in individuals affected with PSAT1-related conditions. ClinVar contains an entry for this variant (Variation ID: 623438). Algorithms developed to predict the effect of missense changes on protein structure and function are either unavailable or do not agree on the potential impact of this missense change (SIFT: "Deleterious"; PolyPhen-2: "Benign"; Align-GVGD: "Class C0"). Experimental studies are conflicting or provide insufficient evidence to determine the effect of this variant on PSAT1 function (PMID: 32077105). In summary, the available evidence is currently insufficient to determine the role of this variant in disease. Therefore, it has been classified as a Variant of Uncertain Significance.

Institute of Human Genetics, Polish Academy of Sciences
Classification: Uncertain significance for Severe Myopia. Last evaluated: 2018-12-17. Review status: no assertion criteria provided. Collection method: research. Allele origin: unknown. Affected: yes. Not counted in ClinVar's aggregate classification.

Dudley Research Group, Pacific Northwest Research Institute
No classification provided. Review status: no classification provided. Collection method: research, in vivo. Allele origin: unknown, not applicable. Functional consequence: functionally_normal. Not counted in ClinVar's aggregate classification.

Literature cited by the submitters: PubMed 32077105 (cited by Labcorp Genetics (formerly Invitae), Labcorp).